The following is an entry in ClinVar:

ClinVar aggregate classification (germline): Uncertain significance (1 of 4 stars; one submission).

Conditions:
CHARGE syndrome (CHARGE). Also called: Hittner Hirsch Kreh syndrome; CHARGE ASSOCIATION--COLOBOMA, HEART ANOMALY, CHOANAL ATRESIA, RETARDATION, GENITAL AND EAR ANOMALIES; Coloboma, heart anomaly, choanal atresia, retardation, genital and ear anomalies; CHARGE association; Hall-Hittner syndrome. Identifiers: Orphanet 138, MedGen C0265354, MONDO:0008965.

Allele frequency attached by ClinVar (database versions not stated): TOPMed below 0.00001; gnomAD 0.00001.
gnomAD v4.1: 1 of 1,612,486 alleles (0.000062%); highest among the groups gnomAD compares: Non-Finnish European, 0.000085%; no homozygotes.

Submission:

Labcorp Genetics (formerly Invitae), Labcorp
Classification: Uncertain significance for CHARGE syndrome. Last evaluated: 2020-01-23. Review status: criteria provided, single submitter. Criteria: Invitae Variant Classification Sherloc (09022015). Collection method: clinical testing. Allele origin: germline.
Comment: This sequence change replaces serine with proline at codon 2395 of the CHD7 protein (p.Ser2395Pro). The serine residue is highly conserved and there is a moderate physicochemical difference between serine and proline. This variant is not present in population databases (ExAC no frequency). This variant has not been reported in the literature in individuals with CHD7-related conditions. Algorithms developed to predict the effect of missense changes on protein structure and function are either unavailable or do not agree on the potential impact of this missense change (SIFT: "Deleterious"; PolyPhen-2: "Benign"; Align-GVGD: "Class C0"). In summary, the available evidence is currently insufficient to determine the role of this variant in disease. Therefore, it has been classified as a Variant of Uncertain Significance.

NM_017780.4(CHD7):c.7183T>C (p.Ser2395Pro)

Gene: CHD7 (chromodomain helicase DNA binding protein 7; plus strand). Cytogenetic location: 8q12.2.
Variant type: single nucleotide variant.
Coding change: c.7183T>C on transcript NM_017780.4 (MANE Select); coding-DNA position 7183, T replaced by C.
Protein change: p.Ser2395Pro; replaces serine 2395 with proline.
Molecular consequence: missense variant. On other transcripts: intron variant (1).
Genome position (GRCh38, 1-based): chr8:60,856,463, T>C. VCF-style: chr8-60856463-T-C. GRCh37 (hg19) VCF-style: chr8-61769022-T-C.
Other names: c.1717-5766T>C (NM_001316690.1); short protein forms S2395P.
Identifiers: ClinVar variation 1062092 (VCV001062092.9), dbSNP rs1285534131, ClinGen allele CA371299791.